The following is an entry in ClinVar:

ClinVar aggregate classification (germline): Uncertain significance (1 of 4 stars; one submission).

Conditions:
Bethlem myopathy 1A. Also called: Bethlem myopathy 1; MYOPATHY, BENIGN CONGENITAL, WITH CONTRACTURES; Bethlem Muscular Dystrophy. Identifiers: Orphanet 610, MedGen CN029274, MONDO:0024530, OMIM 158810.

Allele frequency attached by ClinVar (database versions not stated): ExAC 0.00001; gnomAD 0.00001; gnomAD exomes 0.00001; TOPMed 0.00002.
gnomAD v4.1: 11 of 1,613,902 alleles (0.00068%); highest among the groups gnomAD compares: Non-Finnish European, 0.00093%; no homozygotes.

Submission:

Labcorp Genetics (formerly Invitae), Labcorp
Classification: Uncertain significance for Bethlem myopathy 1A. Last evaluated: 2023-05-11. Review status: criteria provided, single submitter. Criteria: Invitae Variant Classification Sherloc (09022015). Collection method: clinical testing. Allele origin: germline.
Comment: This sequence change replaces proline, which is neutral and non-polar, with leucine, which is neutral and non-polar, at codon 2954 of the COL6A3 protein (p.Pro2954Leu). This variant is present in population databases (rs766551222, gnomAD 0.003%). This variant has not been reported in the literature in individuals affected with COL6A3-related conditions. ClinVar contains an entry for this variant (Variation ID: 566573). Advanced modeling of protein sequence and biophysical properties (such as structural, functional, and spatial information, amino acid conservation, physicochemical variation, residue mobility, and thermodynamic stability) performed at Invitae indicates that this missense variant is not expected to disrupt COL6A3 protein function. In summary, the available evidence is currently insufficient to determine the role of this variant in disease. Therefore, it has been classified as a Variant of Uncertain Significance.

NM_004369.4(COL6A3):c.8861C>T (p.Pro2954Leu)

Gene: COL6A3 (collagen type VI alpha 3 chain; minus strand). Cytogenetic location: 2q37.3.
Variant type: single nucleotide variant.
Coding change: c.8861C>T on transcript NM_004369.4 (MANE Select); coding-DNA position 8861, C replaced by T.
Protein change: p.Pro2954Leu; replaces proline 2954 with leucine.
Molecular consequence: missense variant.
Genome position (GRCh38, 1-based): chr2:237,336,239, G>A on the plus strand (C>T on the coding strand, the complement: COL6A3 is on the minus strand). VCF-style: chr2-237336239-G-A. GRCh37 (hg19) VCF-style: chr2-238244882-G-A.
Other names: c.7040C>T, p.Pro2347Leu (NM_057166.5); c.8243C>T, p.Pro2748Leu (NM_057167.4); short protein forms P2954L, P2748L, P2347L.
Identifiers: ClinVar variation 566573 (VCV000566573.9), dbSNP rs766551222, ClinGen allele CA2187429.